The following is an entry in ClinVar:

ClinVar aggregate classification (germline): Uncertain significance (1 of 4 stars; one submission).

Conditions:
Aortic valve disease 2 (AOVD2). Identifiers: MedGen C3542024, MONDO:0013902, OMIM 614823.

Submission:

Labcorp Genetics (formerly Invitae), Labcorp
Classification: Uncertain significance for Aortic valve disease 2. Last evaluated: 2025-09-23. Review status: criteria provided, single submitter. Criteria: Invitae Variant Classification Sherloc (09022015). Collection method: clinical testing. Allele origin: germline.
Comment: This sequence change creates a premature translational stop signal (p.Arg231Alafs*11) in the SMAD6 gene. It is expected to result in an absent or disrupted protein product. However, the current clinical and genetic evidence is not sufficient to establish whether loss-of-function variants in SMAD6 cause disease. This variant is not present in population databases (gnomAD no frequency). This variant has not been reported in the literature in individuals affected with SMAD6-related conditions. In summary, the available evidence is currently insufficient to determine the role of this variant in disease. Therefore, it has been classified as a Variant of Uncertain Significance.

NM_005585.5(SMAD6):c.690del (p.Arg231fs)

Gene: SMAD6 (SMAD family member 6; plus strand). Cytogenetic location: 15q22.31.
Variant type: Deletion.
Coding change: c.690del on transcript NM_005585.5 (MANE Select); coding-DNA position 690, one base deleted (T; older notation c.690delT).
Protein change: p.Arg231fs; shifts the reading frame from arginine 231.
Molecular consequence: frameshift variant. On other transcripts: non-coding transcript variant (1).
Genome position (GRCh38, 1-based): chr15:66,703,948, T deleted; the last of 3 consecutive T bases (chr15:66,703,946-66,703,948); deleting any one gives the same sequence. VCF-style (leftmost placement, unchanged base first): chr15-66703945-CT-C. GRCh37 (hg19) VCF-style: chr15-66996283-CT-C.
Other names: short protein forms R231fs.
Identifiers: ClinVar variation 4773450 (VCV004773450.1).